The following is an entry in ClinVar:

ClinVar aggregate classification (germline): Uncertain significance. Review status: criteria provided, multiple submitters, no conflicts (2 of 4 stars). 2 submissions from 2 submitters: Uncertain significance (2). Last evaluated 2025-09-17.

Conditions:
Hereditary cancer-predisposing syndrome. Also called: Hereditary Cancer Syndrome; Tumor predisposition; Hereditary neoplastic syndrome; Neoplastic Syndromes, Hereditary. Identifiers: Orphanet 140162, MedGen C0027672, MeSH D009386, MONDO:0015356.

Submissions (2):

Ambry Genetics
Classification: Uncertain significance for Hereditary cancer-predisposing syndrome. Last evaluated: 2025-09-17. Review status: criteria provided, single submitter. Criteria: Ambry Variant Classification Scheme 2023. Collection method: clinical testing. Allele origin: germline.
Comment: The p.S149G variant (also known as c.445A>G), located in coding exon 3 of the MSH3 gene, results from an A to G substitution at nucleotide position 445. The serine at codon 149 is replaced by glycine, an amino acid with similar properties. This amino acid position is poorly conserved in available vertebrate species. In addition, this alteration is predicted to be tolerated by in silico analysis. Since supporting evidence is limited at this time, the clinical significance of this alteration remains unclear.

Labcorp Genetics (formerly Invitae), Labcorp
Classification: Uncertain significance. Last evaluated: 2021-07-11. Review status: criteria provided, single submitter. Criteria: Invitae Variant Classification Sherloc (09022015). Collection method: clinical testing. Allele origin: germline.
Comment: Algorithms developed to predict the effect of sequence changes on RNA splicing suggest that this variant may create or strengthen a splice site, but this prediction has not been confirmed by published transcriptional studies. This sequence change replaces serine with glycine at codon 149 of the MSH3 protein (p.Ser149Gly). The serine residue is weakly conserved and there is a small physicochemical difference between serine and glycine. This variant is not present in population databases (ExAC no frequency). This variant has not been reported in the literature in individuals with MSH3-related conditions. Algorithms developed to predict the effect of missense changes on protein structure and function (SIFT, PolyPhen-2, Align-GVGD) all suggest that this variant is likely to be tolerated, but these predictions have not been confirmed by published functional studies and their clinical significance is uncertain. In summary, the available evidence is currently insufficient to determine the role of this variant in disease. Therefore, it has been classified as a Variant of Uncertain Significance.

NM_002439.5(MSH3):c.445A>G (p.Ser149Gly)

Gene: MSH3 (mutS homolog 3; plus strand). Cytogenetic location: 5q14.1.
Variant type: single nucleotide variant.
Coding change: c.445A>G on transcript NM_002439.5 (MANE Select); coding-DNA position 445, A replaced by G.
Protein change: p.Ser149Gly; replaces serine 149 with glycine.
Molecular consequence: missense variant.
Genome position (GRCh38, 1-based): chr5:80,665,229, A>G. VCF-style: chr5-80665229-A-G. GRCh37 (hg19) VCF-style: chr5-79961048-A-G.
Other names: short protein forms S149G.
Identifiers: ClinVar variation 1046203 (VCV001046203.12), dbSNP rs1749542699, ClinGen allele CA360263457.